The following is an entry in ClinVar:

NM_001754.5(RUNX1):c.221G>T (p.Gly74Val)

Gene: RUNX1 (RUNX family transcription factor 1; minus strand). Cytogenetic location: 21q22.12.
Variant type: single nucleotide variant.
Coding change: c.221G>T on transcript NM_001754.5 (MANE Select); coding-DNA position 221, G replaced by T.
Protein change: p.Gly74Val; replaces glycine 74 with valine.
Molecular consequence: missense variant.
Genome position (GRCh38, 1-based): chr21:34,886,973, C>A on the plus strand (G>T on the coding strand, the complement: RUNX1 is on the minus strand). VCF-style: chr21-34886973-C-A. GRCh37 (hg19) VCF-style: chr21-36259270-C-A.
Other names: NM_001754.5(RUNX1):c.221G>T; p.Gly74Val; c.140G>T, p.Gly47Val (NM_001001890.3, NM_001122607.2); short protein forms G47V, G74V.
Identifiers: ClinVar variation 1945048 (VCV001945048.7), dbSNP rs2146411670, ClinGen allele CA410203867.

ClinVar aggregate classification (germline): Uncertain significance. Review status: reviewed by expert panel (3 of 4 stars). 3 submissions from 3 submitters: Uncertain significance (1). 2 of the submissions do not count toward it. Last evaluated 2025-01-15.

Conditions:
Hereditary thrombocytopenia and hematologic cancer predisposition syndrome. Identifiers: Orphanet 71290, MedGen CN281654, MONDO:0011071.
Inborn genetic diseases. Identifiers: MedGen C0950123, MeSH D030342.
Hereditary thrombocytopenia and hematological cancer predisposition syndrome associated with RUNX1. Also called: RUNX1 Familial Platelet Disorder with Associated Myeloid Malignancies; Familial Platelet Disorder with Propensity to Acute Myelogenous Leukemia; Familial thrombocytopenia with propensity to acute myelogenous leukemia; PLATELET DISORDER, ASPIRIN-LIKE. Identifiers: Orphanet 71290, MedGen C1832388, MeSH C563324, MONDO:0100083, OMIM 601399.

Submissions (3):

ClinGen Myeloid Malignancy Variant Curation Expert Panel
Classification: Uncertain significance for Hereditary thrombocytopenia and hematologic cancer predisposition syndrome. Last evaluated: 2025-01-15. Review status: reviewed by expert panel. Criteria: ClinGen MyeloMalig ACMG Specifications v2. Collection method: curation. Allele origin: germline. Inheritance: Autosomal dominant inheritance.
Comment: NM_001754.5(RUNX1):c.221G>T (p.Gly74Val) is a missense variant which has a REVEL score < 0.50 (0.391), and a SpliceAI score ≤ 0.20 (0.01) (BP4). This variant is completely absent from all population databases with at least 20x coverage for RUNX1 (PM2_Supporting). In summary, the clinical significance of this variant is uncertain. ACMG/AMP criteria applied, as specified by the Myeloid Malignancy Variant Curation Expert Panel for RUNX1: BP4, PM2_supporting.

Ambry Genetics
Classification: Uncertain significance for Inborn genetic diseases. Last evaluated: 2025-04-19. Review status: criteria provided, single submitter. Criteria: Ambry Variant Classification Scheme 2023. Collection method: clinical testing. Allele origin: germline. Not counted in ClinVar's aggregate classification.
Comment: The p.G74V variant (also known as c.221G>T), located in coding exon 3 of the RUNX1 gene, results from a G to T substitution at nucleotide position 221. The glycine at codon 74 is replaced by valine, an amino acid with dissimilar properties. This amino acid position is conserved. In addition, the in silico prediction for this alteration is inconclusive. Based on the available evidence, the clinical significance of this variant remains unclear.

Labcorp Genetics (formerly Invitae), Labcorp
Classification: Uncertain significance for Hereditary thrombocytopenia and hematological cancer predisposition syndrome associated with RUNX1. Last evaluated: 2024-05-26. Review status: criteria provided, single submitter. Criteria: Invitae Variant Classification Sherloc (09022015). Collection method: clinical testing. Allele origin: germline. Not counted in ClinVar's aggregate classification.
Comment: This sequence change replaces glycine, which is neutral and non-polar, with valine, which is neutral and non-polar, at codon 74 of the RUNX1 protein (p.Gly74Val). This variant is not present in population databases (gnomAD no frequency). This variant has not been reported in the literature in individuals affected with RUNX1-related conditions. ClinVar contains an entry for this variant (Variation ID: 1945048). Advanced modeling of protein sequence and biophysical properties (such as structural, functional, and spatial information, amino acid conservation, physicochemical variation, residue mobility, and thermodynamic stability) has been performed at Invitae for this missense variant, however the output from this modeling did not meet the statistical confidence thresholds required to predict the impact of this variant on RUNX1 protein function. In summary, the available evidence is currently insufficient to determine the role of this variant in disease. Therefore, it has been classified as a Variant of Uncertain Significance.